The following is an entry in ClinVar:

ClinVar aggregate classification (germline): Uncertain significance (1 of 4 stars; one submission).

Conditions:
Mitochondrial DNA depletion syndrome, encephalomyopathic form with methylmalonic aciduria (MTDPS5). Also called: SUCLA2-Related Mitochondrial DNA Depletion Syndrome, Encephalomyopathic Form with Methylmalonic Aciduria; Mitochondrial encephalomyopathy aminoacidopathy; MITOCHONDRIAL DNA DEPLETION SYNDROME, ENCEPHALOMYOPATHIC FORM, WITH OR WITHOUT METHYLMALONIC ACIDURIA, AUTOSOMAL RECESSIVE, SUCLA2-RELATED; Mitochondrial DNA depletion syndrome 5 (encephalomyopathic with or without methylmalonic aciduria). Identifiers: Orphanet 1933, MedGen C5980207, MONDO:0012791, OMIM 612073.

Submission:

Labcorp Genetics (formerly Invitae), Labcorp
Classification: Uncertain significance for Mitochondrial DNA depletion syndrome, encephalomyopathic form with methylmalonic aciduria. Last evaluated: 2022-03-12. Review status: criteria provided, single submitter. Criteria: Invitae Variant Classification Sherloc (09022015). Collection method: clinical testing. Allele origin: germline.
Comment: In summary, the available evidence is currently insufficient to determine the role of this variant in disease. Therefore, it has been classified as a Variant of Uncertain Significance. Algorithms developed to predict the effect of missense changes on protein structure and function (SIFT, PolyPhen-2, Align-GVGD) all suggest that this variant is likely to be disruptive. This variant has not been reported in the literature in individuals affected with SUCLA2-related conditions. This variant is not present in population databases (gnomAD no frequency). This sequence change replaces glutamic acid, which is acidic and polar, with glycine, which is neutral and non-polar, at codon 297 of the SUCLA2 protein (p.Glu297Gly).

NM_003850.3(SUCLA2):c.890A>G (p.Glu297Gly)

Gene: SUCLA2 (succinate-CoA ligase ADP-forming subunit beta; minus strand). Cytogenetic location: 13q14.2.
Variant type: single nucleotide variant.
Coding change: c.890A>G on transcript NM_003850.3 (MANE Select); coding-DNA position 890, A replaced by G.
Protein change: p.Glu297Gly; replaces glutamic acid 297 with glycine.
Molecular consequence: missense variant.
Genome position (GRCh38, 1-based): chr13:47,954,470, T>C on the plus strand (A>G on the coding strand, the complement: SUCLA2 is on the minus strand). VCF-style: chr13-47954470-T-C. GRCh37 (hg19) VCF-style: chr13-48528605-T-C.
Other names: short protein forms E297G.
Identifiers: ClinVar variation 2110355 (VCV002110355.4), dbSNP rs2541673613, ClinGen allele CA388145635.
Genomic context (GRCh38, chr13:47,954,470, plus strand): 5'-TTTCCATCGAGGCCAATGTAGTTGAGATTTGCCTTAGCAGCATCTTTGTCCCTTTCATCT[T>C]CCTGGGTCCAGTCCTGTAGATCAAAGATTTTCTTTTGGCGATAGGCTGAATTAGAGTCAA-3'
Protein context (NP_003841.1, residues 287-307): KIFDLQDWTQ[Glu297Gly]DERDKDAAKA